The following is an entry in ClinVar:

ClinVar aggregate classification (germline): Uncertain significance (1 of 4 stars; one submission).

Conditions:
Kabuki syndrome. Also called: Kabuki make-up syndrome; NIIKAWA-KUROKI SYNDROME. Identifiers: Orphanet 2322, MedGen C0796004, MONDO:0016512.

Submission:

Labcorp Genetics (formerly Invitae), Labcorp
Classification: Uncertain significance for Kabuki syndrome. Last evaluated: 2022-11-28. Review status: criteria provided, single submitter. Criteria: Invitae Variant Classification Sherloc (09022015). Collection method: clinical testing. Allele origin: germline.
Comment: This variant is not present in population databases (gnomAD no frequency). This sequence change replaces histidine, which is basic and polar, with glutamine, which is neutral and polar, at codon 1659 of the KMT2D protein (p.His1659Gln). This variant has not been reported in the literature in individuals affected with KMT2D-related conditions. Advanced modeling of protein sequence and biophysical properties (such as structural, functional, and spatial information, amino acid conservation, physicochemical variation, residue mobility, and thermodynamic stability) performed at Invitae indicates that this missense variant is not expected to disrupt KMT2D protein function. In summary, the available evidence is currently insufficient to determine the role of this variant in disease. Therefore, it has been classified as a Variant of Uncertain Significance.

NM_003482.4(KMT2D):c.4977C>G (p.His1659Gln)

Gene: KMT2D (lysine methyltransferase 2D; minus strand). Cytogenetic location: 12q13.12.
Variant type: single nucleotide variant.
Coding change: c.4977C>G on transcript NM_003482.4 (MANE Select); coding-DNA position 4977, C replaced by G.
Protein change: p.His1659Gln; replaces histidine 1659 with glutamine.
Molecular consequence: missense variant.
Genome position (GRCh38, 1-based): chr12:49,044,509, G>C on the plus strand (C>G on the coding strand, the complement: KMT2D is on the minus strand). VCF-style: chr12-49044509-G-C. GRCh37 (hg19) VCF-style: chr12-49438292-G-C.
Other names: short protein forms H1659Q.
Identifiers: ClinVar variation 1961934 (VCV001961934.5), dbSNP rs750683991, ClinGen allele CA384638932.